The following is an entry in ClinVar:

NM_001009944.3(PKD1):c.1333G>T (p.Ala445Ser)

Gene: PKD1 (polycystin 1, transient receptor potential channel interacting; minus strand). Cytogenetic location: 16p13.3.
Variant type: single nucleotide variant.
Coding change: c.1333G>T on transcript NM_001009944.3 (MANE Select); coding-DNA position 1333, G replaced by T.
Protein change: p.Ala445Ser; replaces alanine 445 with serine.
Molecular consequence: missense variant.
Genome position (GRCh38, 1-based): chr16:2,117,541, C>A on the plus strand (G>T on the coding strand, the complement: PKD1 is on the minus strand). VCF-style: chr16-2117541-C-A. GRCh37 (hg19) VCF-style: chr16-2167542-C-A.
Other names: p.Ala445Ser; c.1333G>T, p.Ala445Ser (NM_000296.4); short protein forms A445S.
Identifiers: ClinVar variation 4542001 (VCV004542001.1).

ClinVar aggregate classification (germline): Uncertain significance (1 of 4 stars; one submission).

Submission:

Mayo Clinic Laboratories, Mayo Clinic
Classification: Uncertain significance. Last evaluated: 2025-05-15. Review status: criteria provided, single submitter. Criteria: ACMG Guidelines, 2015. Collection method: clinical testing. Allele origin: germline. Observed: 2 variant alleles.
Comment: PM2_supporting